The following is an entry in ClinVar:

NM_015570.4(AUTS2):c.2446G>A (p.Glu816Lys)

Gene: AUTS2 (activator of transcription and developmental regulator AUTS2; plus strand). Cytogenetic location: 7q11.22.
Variant type: single nucleotide variant.
Coding change: c.2446G>A on transcript NM_015570.4 (MANE Select); coding-DNA position 2446, G replaced by A.
Protein change: p.Glu816Lys; replaces glutamic acid 816 with lysine.
Molecular consequence: missense variant.
Genome position (GRCh38, 1-based): chr7:70,787,346, G>A. VCF-style: chr7-70787346-G-A. GRCh37 (hg19) VCF-style: chr7-70252332-G-A.
Other names: c.2374G>A, p.Glu792Lys (NM_001127231.3); short protein forms E792K, E816K.
Identifiers: ClinVar variation 2657536 (VCV002657536.24), dbSNP rs2484941875, ClinGen allele CA367664096.

ClinVar aggregate classification (germline): Uncertain significance (1 of 4 stars; one submission).

Submission:

CeGaT Center for Human Genetics Tuebingen
Classification: Uncertain significance. Last evaluated: 2023-10-01. Review status: criteria provided, single submitter. Criteria: CeGaT Center For Human Genetics Tuebingen Variant Classification Criteria Version 2. Collection method: clinical testing. Allele origin: germline. Affected: yes. Observed: 1 variant allele.
Comment: AUTS2: PM2, PS2:Moderate